The following is an entry in ClinVar:

NM_002454.3(MTRR):c.860A>G (p.Asn287Ser)

Gene: MTRR (5-methyltetrahydrofolate-homocysteine methyltransferase reductase; plus strand). Cytogenetic location: 5p15.31.
Variant type: single nucleotide variant.
Coding change: c.860A>G on transcript NM_002454.3 (MANE Select); coding-DNA position 860, A replaced by G.
Protein change: p.Asn287Ser; replaces asparagine 287 with serine.
Molecular consequence: missense variant. On other transcripts: non-coding transcript variant (14).
Genome position (GRCh38, 1-based): chr5:7,883,234, A>G. VCF-style: chr5-7883234-A-G. GRCh37 (hg19) VCF-style: chr5-7883347-A-G.
Other names: c.860A>G, p.Asn287Ser (NM_001364440.2, NM_001364441.2, NM_001364442.2 and 1 more transcripts); short protein forms N287S.
Identifiers: ClinVar variation 1479642 (VCV001479642.5), dbSNP rs750009895, ClinGen allele CA113804888.

ClinVar aggregate classification (germline): Uncertain significance (1 of 4 stars; one submission).

Conditions:
Methylcobalamin deficiency type cblE (HMAE). Also called: VITAMIN B12-RESPONSIVE HOMOCYSTINURIA, cblE TYPE; HOMOCYSTINURIA-MEGALOBLASTIC ANEMIA, cblE COMPLEMENTATION TYPE; HOMOCYSTINURIA-MEGALOBLASTIC ANEMIA, cblE TYPE. Identifiers: Orphanet 2169, Orphanet 622, MedGen C1856057, MONDO:0009354, OMIM 236270.

Allele frequency attached by ClinVar (database versions not stated): gnomAD exomes below 0.00001.
gnomAD v4.1: 4 of 1,614,242 alleles (0.00025%); highest among the groups gnomAD compares: Non-Finnish European, 0.00034%; no homozygotes.

Submission:

Labcorp Genetics (formerly Invitae), Labcorp
Classification: Uncertain significance for Methylcobalamin deficiency type cblE. Last evaluated: 2021-08-28. Review status: criteria provided, single submitter. Criteria: Invitae Variant Classification Sherloc (09022015). Collection method: clinical testing. Allele origin: germline.
Comment: This sequence change replaces asparagine with serine at codon 287 of the MTRR protein (p.Asn287Ser). The asparagine residue is moderately conserved and there is a small physicochemical difference between asparagine and serine. This variant is not present in population databases (ExAC no frequency). This variant has not been reported in the literature in individuals affected with MTRR-related conditions. Algorithms developed to predict the effect of missense changes on protein structure and function output the following: SIFT: "Tolerated"; PolyPhen-2: "Benign"; Align-GVGD: "Class C0". The serine amino acid residue is found in multiple mammalian species, which suggests that this missense change does not adversely affect protein function. In summary, the available evidence is currently insufficient to determine the role of this variant in disease. Therefore, it has been classified as a Variant of Uncertain Significance.